The following is an entry in ClinVar:

ClinVar aggregate classification (germline): Conflicting classifications of pathogenicity. Review status: criteria provided, conflicting classifications (1 of 4 stars). 4 submissions from 4 submitters: Uncertain significance (3); Likely benign (1). Last evaluated 2024-03-01.

Conditions:
Junctional epidermolysis bullosa gravis of Herlitz. Also called: Epidermolysis Bullosa Letalis; EPIDERMOLYSIS BULLOSA JUNCTIONALIS, HERLITZ TYPE; EPIDERMOLYSIS BULLOSA, JUNCTIONAL, HERLITZ-PEARSON TYPE; Herlitz-type junctional epidermolysis bullosa; EPIDERMOLYSIS BULLOSA, JUNCTIONAL 1B, SEVERE; JEB-HERLITZ TYPE. Identifiers: Orphanet 79404, MedGen C0079683, MONDO:0009182, OMIM 226700.
Laryngo-onycho-cutaneous syndrome (JEB2C). Also called: SHABBIR SYNDROME; EPIDERMOLYSIS BULLOSA, JUNCTIONAL 2C, LARYNGOONYCHOCUTANEOUS; LOGIC SYNDROME. Identifiers: Orphanet 2407, MedGen C1328355, MONDO:0009513, OMIM 245660.
Epidermolysis bullosa, junctional 2A, intermediate. Also called: EPIDERMOLYSIS BULLOSA, JUNCTIONAL 2A, GENERALIZED INTERMEDIATE; EPIDERMOLYSIS BULLOSA, JUNCTIONAL 2A, NON-HERLITZ TYPE. Identifiers: MedGen C5676936, MONDO:0030746, OMIM 619783.
Epidermolysis bullosa, junctional 2B, severe. Also called: EPIDERMOLYSIS BULLOSA, JUNCTIONAL 2B, GENERALIZED SEVERE; EPIDERMOLYSIS BULLOSA, JUNCTIONAL 2B, HERLITZ TYPE. Identifiers: MedGen C5676937, MONDO:0030747, OMIM 619784.
Inborn genetic diseases. Identifiers: MedGen C0950123, MeSH D030342.

Allele frequency attached by ClinVar (database versions not stated): gnomAD exomes 0.00015 and 0.00023; gnomAD 0.00015; TOPMed 0.00013; ExAC 0.00019.
gnomAD v4.1: 243 of 1,610,584 alleles (0.015%); highest among the groups gnomAD compares: Non-Finnish European, 0.0037%; 1 homozygote.

Submissions (4):

CeGaT Center for Human Genetics Tuebingen
Classification: Uncertain significance. Last evaluated: 2024-03-01. Review status: criteria provided, single submitter. Criteria: CeGaT Center For Human Genetics Tuebingen Variant Classification Criteria Version 2. Collection method: clinical testing. Allele origin: germline. Affected: yes. Observed: 1 variant allele.
Comment: LAMA3: PM2, BP4

Ambry Genetics
Classification: Uncertain significance for Inborn genetic diseases. Last evaluated: 2024-01-03. Review status: criteria provided, single submitter. Criteria: Ambry Variant Classification Scheme 2023. Collection method: clinical testing. Allele origin: germline.

Department of Pathology and Laboratory Medicine, Sinai Health System
Classification: Uncertain significance for Junctional epidermolysis bullosa gravis of Herlitz; Laryngo-onycho-cutaneous syndrome; Epidermolysis bullosa, junctional 2A, intermediate; Epidermolysis bullosa, junctional 2B, severe. Last evaluated: 2021-07-30. Review status: criteria provided, single submitter. Criteria: ACMG Guidelines, 2015. Collection method: research. Allele origin: germline.

Labcorp Genetics (formerly Invitae), Labcorp
Classification: Likely benign. Last evaluated: 2018-10-14. Review status: criteria provided, single submitter. Criteria: Invitae Variant Classification Sherloc (09022015). Collection method: clinical testing. Allele origin: germline.

NM_198129.4(LAMA3):c.1154C>A (p.Ala385Asp)

Gene: LAMA3 (laminin subunit alpha 3; plus strand). Cytogenetic location: 18q11.2.
Variant type: single nucleotide variant.
Coding change: c.1154C>A on transcript NM_198129.4 (MANE Select); coding-DNA position 1154, C replaced by A.
Protein change: p.Ala385Asp; replaces alanine 385 with aspartic acid.
Molecular consequence: missense variant. On other transcripts: non-coding transcript variant (1).
Genome position (GRCh38, 1-based): chr18:23,763,495, C>A. VCF-style: chr18-23763495-C-A. GRCh37 (hg19) VCF-style: chr18-21343459-C-A.
Other names: c.1154C>A, p.Ala385Asp (NM_001302996.2, NM_001127717.4); short protein forms A385D.
Identifiers: ClinVar variation 737454 (VCV000737454.30), dbSNP rs772044341, ClinGen allele CA8914487.